The following is an entry in ClinVar:

NM_000117.3(EMD):c.570dup (p.Met191fs)

Gene: EMD (emerin; plus strand). Cytogenetic location: Xq28.
Variant type: Duplication.
Coding change: c.570dup on transcript NM_000117.3 (MANE Select); coding-DNA position 570, one base duplicated (T; older notation c.570dupT).
Protein change: p.Met191fs; shifts the reading frame from methionine 191.
Molecular consequence: frameshift variant.
Genome position (GRCh38, 1-based): chrX:154,381,002, T duplicated; the last of 4 consecutive T bases (chrX:154,380,999-154,381,002); duplicating any one gives the same sequence. VCF-style (leftmost placement, unchanged base first): chrX-154380998-C-CT. GRCh37 (hg19) VCF-style: chrX-153609358-C-CT.
Other names: short protein forms M191fs.
Identifiers: ClinVar variation 1072810 (VCV001072810.9), dbSNP rs2148128871, ClinGen allele CA2499226498.

ClinVar aggregate classification (germline): Pathogenic (1 of 4 stars; one submission).

Conditions:
X-linked Emery-Dreifuss muscular dystrophy. Also called: Muscular dystrophy, tardive Emery-Dreifuss type, with contractures. Identifiers: Orphanet 261, Orphanet 98863, MedGen C0751337, MONDO:0010680.

Submission:

Labcorp Genetics (formerly Invitae), Labcorp
Classification: Pathogenic for X-linked Emery-Dreifuss muscular dystrophy. Last evaluated: 2020-11-11. Review status: criteria provided, single submitter. Criteria: Invitae Variant Classification Sherloc (09022015). Collection method: clinical testing. Allele origin: germline.
Comment: This sequence change creates a premature translational stop signal (p.Met191Tyrfs*19) in the EMD gene. While this is not anticipated to result in nonsense mediated decay, it is expected to disrupt the last 64 amino acid(s) of the EMD protein. This variant is not present in population databases (ExAC no frequency). This variant has not been reported in the literature in individuals with EMD-related conditions. This variant disrupts the C-terminus of the EMD protein. Other variant(s) that disrupt this region (p.Trp226*) have been determined to be pathogenic (PMID: 8589715, 15967842). This suggests that variants that disrupt this region of the protein are likely to be causative of disease. For these reasons, this variant has been classified as Pathogenic.

Literature cited by the submitters: PubMed 8589715; PubMed 15967842.